The following is an entry in ClinVar:

ClinVar aggregate classification (germline): Uncertain significance (1 of 4 stars; one submission).

Allele frequency attached by ClinVar (database versions not stated): gnomAD exomes 0.00001; TOPMed 0.00002; gnomAD 0.00005.
gnomAD v4.1: 11 of 1,613,878 alleles (0.00068%); highest among the groups gnomAD compares: African/African-American, 0.013%; no homozygotes.

Submission:

Labcorp Genetics (formerly Invitae), Labcorp
Classification: Uncertain significance. Last evaluated: 2022-07-12. Review status: criteria provided, single submitter. Criteria: Invitae Variant Classification Sherloc (09022015). Collection method: clinical testing. Allele origin: germline.
Comment: In summary, the available evidence is currently insufficient to determine the role of this variant in disease. Therefore, it has been classified as a Variant of Uncertain Significance. Algorithms developed to predict the effect of missense changes on protein structure and function are either unavailable or do not agree on the potential impact of this missense change (SIFT: "Not Available"; PolyPhen-2: "Possibly Damaging"; Align-GVGD: "Not Available"). This variant has not been reported in the literature in individuals affected with CTSB-related conditions. This variant is present in population databases (no rsID available, gnomAD 0.007%). This sequence change replaces asparagine, which is neutral and polar, with histidine, which is basic and polar, at codon 289 of the CTSB protein (p.Asn289His).

NM_001908.5(CTSB):c.865A>C (p.Asn289His)

Gene: CTSB (cathepsin B). Cytogenetic location: 8p23.1.
Variant type: single nucleotide variant.
Coding change: c.865A>C on transcript NM_001908.5 (MANE Select); coding-DNA position 865, A replaced by C.
Protein change: p.Asn289His; replaces asparagine 289 with histidine.
Molecular consequence: missense variant.
Genome position (GRCh38, 1-based): chr8:11,845,718, T>G on the plus strand (A>C on the coding strand, the complement: CTSB is on the minus strand). VCF-style: chr8-11845718-T-G. GRCh37 (hg19) VCF-style: chr8-11703227-T-G.
Other names: c.865A>C, p.Asn289His (NM_147782.4, NM_147783.4, NM_001384714.1 and 8 more transcripts); c.493A>C, p.Asn165His (NM_001317237.2); short protein forms N289H, N165H.
Identifiers: ClinVar variation 2190371 (VCV002190371.4), dbSNP rs1217372323, ClinGen allele CA370319097.